The following is an entry in ClinVar:

ClinVar aggregate classification (germline): Likely benign (1 of 4 stars; one submission).

gnomAD v4.1: 16 of 1,548,346 alleles (0.001%); highest among the groups gnomAD compares: East Asian, 0.0098%; no homozygotes.

Submission:

Mayo Clinic Laboratories, Mayo Clinic
Classification: Likely benign. Last evaluated: 2024-12-05. Review status: criteria provided, single submitter. Criteria: ACMG Guidelines, 2015. Collection method: clinical testing. Allele origin: germline. Observed: 1 variant allele.
Comment: BP4, BP7

NM_001142864.4(PIEZO1):c.4878C>T (p.Thr1626=)

Gene: PIEZO1 (piezo type mechanosensitive ion channel component 1 (Er blood group); minus strand). Cytogenetic location: 16q24.3.
Variant type: single nucleotide variant.
Coding change: c.4878C>T on transcript NM_001142864.4 (MANE Select); coding-DNA position 4878, C replaced by T.
Protein change: p.Thr1626=; no amino-acid change (threonine 1626 retained).
Molecular consequence: synonymous variant.
Genome position (GRCh38, 1-based): chr16:88,722,295, G>A on the plus strand (C>T on the coding strand, the complement: PIEZO1 is on the minus strand). VCF-style: chr16-88722295-G-A. GRCh37 (hg19) VCF-style: chr16-88788703-G-A.
Other names: p.Thr1626=.
Identifiers: ClinVar variation 4684136 (VCV004684136.1).